The following is an entry in ClinVar:

ClinVar aggregate classification (germline): Conflicting classifications of pathogenicity. Review status: criteria provided, conflicting classifications (1 of 4 stars). 4 submissions from 4 submitters: Uncertain significance (1); Likely benign (3). Last evaluated 2025-04-14.

Conditions:
Charcot-Marie-Tooth disease axonal type 2C (HMSN2C). Also called: Charcot-Marie-Tooth Disease Type 2, TRPV4-Related (CMT2C); CHARCOT-MARIE-TOOTH DISEASE, AXONAL, AUTOSOMAL DOMINANT, TYPE 2C; Charcot-Marie-Tooth Neuropathy Type 2C. Identifiers: Orphanet 99937, MedGen C1853710, MONDO:0011633, OMIM 606071.
TRPV4-related disorder. Also called: TRPV4-related disorders; TRPV4-related condition.
Inborn genetic diseases. Identifiers: MedGen C0950123, MeSH D030342.

Allele frequency attached by ClinVar (database versions not stated): gnomAD exomes 0.00004 and 0.00005; ExAC 0.00005; gnomAD 0.00005 and 0.00006; 1000 Genomes Project 0.00040; TOPMed 0.00006; ESP Exome Variant Server 0.00008; 1000 Genomes Project 30x 0.00031.
gnomAD v4.1: 86 of 1,614,044 alleles (0.0053%); highest among the groups gnomAD compares: Middle Eastern, 0.016%; no homozygotes.

Submissions (4):

Labcorp Genetics (formerly Invitae), Labcorp
Classification: Likely benign for Charcot-Marie-Tooth disease axonal type 2C. Last evaluated: 2025-04-14. Review status: criteria provided, single submitter. Criteria: Invitae Variant Classification Sherloc (09022015). Collection method: clinical testing. Allele origin: germline.

PreventionGenetics, part of Exact Sciences
Classification: Likely benign for TRPV4-related condition. Last evaluated: 2025-03-13. Review status: criteria provided, single submitter. Criteria: ACMG Guidelines, 2015. Collection method: clinical testing. Allele origin: germline.
Comment: This variant is classified as likely benign based on ACMG/AMP sequence variant interpretation guidelines (Richards et al. 2015 PMID: 25741868, with internal and published modifications).

Ambry Genetics
Classification: Likely benign for Inborn genetic diseases. Last evaluated: 2019-07-11. Review status: criteria provided, single submitter. Criteria: Ambry Variant Classification Scheme 2023. Collection method: clinical testing. Allele origin: germline.

Eurofins Ntd Llc (ga)
Classification: Uncertain significance. Last evaluated: 2017-07-28. Review status: criteria provided, single submitter. Criteria: EGL Classification Definitions 2015. Collection method: clinical testing. Allele origin: germline. Observed: 1 variant allele, 1 heterozygote.

NM_021625.5(TRPV4):c.2247C>T (p.Pro749=)

Gene: TRPV4 (transient receptor potential cation channel subfamily V member 4; minus strand). Cytogenetic location: 12q24.11.
Variant type: single nucleotide variant.
Coding change: c.2247C>T on transcript NM_021625.5 (MANE Select); coding-DNA position 2247, C replaced by T.
Protein change: p.Pro749=; no amino-acid change (proline 749 retained).
Molecular consequence: synonymous variant.
Genome position (GRCh38, 1-based): chr12:109,786,799, G>A on the plus strand (C>T on the coding strand, the complement: TRPV4 is on the minus strand). VCF-style: chr12-109786799-G-A. GRCh37 (hg19) VCF-style: chr12-110224604-G-A.
Other names: c.1926C>T, p.Pro642= (NM_001177433.2); c.2067C>T, p.Pro689= (NM_147204.3); c.2106C>T, p.Pro702= (NM_001177428.2); c.2145C>T, p.Pro715= (NM_001177431.2).
Identifiers: ClinVar variation 593378 (VCV000593378.17), dbSNP rs141135321, ClinGen allele CA6779979.